The following is an entry in ClinVar:

ClinVar aggregate classification (germline): Uncertain significance (1 of 4 stars; one submission).

Conditions:
Nicolaides-Baraitser syndrome (NCBRS). Also called: Intellectual disability-sparse hair-brachydactyly syndrome; SMARCA2-Related Nicolaides-Baraitser Syndrome. Identifiers: Orphanet 3051, MedGen C1303073, MONDO:0011053, OMIM 601358.

Submission:

Baylor Genetics
Classification: Uncertain significance for Nicolaides-Baraitser syndrome. Last evaluated: 2020-07-27. Review status: criteria provided, single submitter. Criteria: ACMG Guidelines, 2015. Collection method: clinical testing. Allele origin: unknown. Affected: yes.
Comment: This variant was determined to be of uncertain significance according to ACMG Guidelines, 2015 [PMID:25741868].

NM_003070.5(SMARCA2):c.4696G>A (p.Val1566Ile)

Gene: SMARCA2 (SWI/SNF related BAF chromatin remodeling complex subunit ATPase 2; plus strand). Cytogenetic location: 9p24.3.
Variant type: single nucleotide variant.
Coding change: c.4696G>A on transcript NM_003070.5 (MANE Select); coding-DNA position 4696, G replaced by A.
Protein change: p.Val1566Ile; replaces valine 1566 with isoleucine.
Molecular consequence: missense variant.
Genome position (GRCh38, 1-based): chr9:2,191,367, G>A. VCF-style: chr9-2191367-G-A. GRCh37 (hg19) VCF-style: chr9-2191367-G-A.
Other names: c.4696G>A, p.Val1566Ile (NM_001289396.2); c.4468G>A, p.Val1490Ile (NM_001289397.2); c.670G>A, p.Val224Ile (NM_001289398.2); c.754G>A, p.Val252Ile (NM_001289399.2); c.760G>A, p.Val254Ile (NM_001289400.2); c.4642G>A, p.Val1548Ile (NM_139045.4); short protein forms V1566I, V224I, V252I, V254I, V1490I, V1548I.
Identifiers: ClinVar variation 1029503 (VCV001029503.1), dbSNP rs1827870545, ClinGen allele CA372792809.